The following is an entry in ClinVar:

NM_024496.4(IRF2BPL):c.489_491del (p.Ala164del)

Gene: IRF2BPL (interferon regulatory factor 2 binding protein like; minus strand). Cytogenetic location: 14q24.3.
Variant type: Deletion.
Coding change: c.489_491del on transcript NM_024496.4 (MANE Select); coding-DNA positions 489 to 491, 3 bases deleted (TGC; older notation c.489_491delTGC).
Protein change: p.Ala164del; deletes alanine 164.
Genome position (GRCh38, 1-based): chr14:77,027,302-77,027,304, GCA deleted on the plus strand (TGC on the coding strand, the reverse complement: IRF2BPL is on the minus strand); deleting any 3 consecutive bases within chr14:77,027,302-77,027,306 gives the same sequence; the c. name uses the placement nearest the transcript's 3' end. VCF-style (leftmost placement, unchanged base first): chr14-77027301-CGCA-C. GRCh37 (hg19) VCF-style: chr14-77493644-CGCA-C.
Other names: short protein forms A164del.
Identifiers: ClinVar variation 3037616 (VCV003037616.16), dbSNP rs772565832, ClinGen allele CA7283931.

ClinVar aggregate classification (germline): Likely benign. Review status: criteria provided, single submitter (1 of 4 stars). 2 submissions from 2 submitters: Likely benign (1). 1 of the submissions does not count toward it. Last evaluated 2025-02-01.

Conditions:
IRF2BPL-related disorder. Also called: IRF2BPL-related condition. Identifiers: MedGen CN381093.

Submissions (2):

CeGaT Center for Human Genetics Tuebingen
Classification: Likely benign. Last evaluated: 2025-02-01. Review status: criteria provided, single submitter. Criteria: CeGaT Center For Human Genetics Tuebingen Variant Classification Criteria Version 2. Collection method: clinical testing. Allele origin: germline. Affected: yes. Observed: 2 variant alleles.
Comment: IRF2BPL: BP3, BS2

PreventionGenetics, part of Exact Sciences
Classification: Benign for IRF2BPL-related condition. Last evaluated: 2019-10-31. Review status: no assertion criteria provided. Collection method: clinical testing. Allele origin: germline. Not counted in ClinVar's aggregate classification.
Comment: This variant is classified as benign based on ACMG/AMP sequence variant interpretation guidelines (Richards et al. 2015 PMID: 25741868, with internal and published modifications).